The following is an entry in ClinVar:

ClinVar aggregate classification (germline): Uncertain significance (1 of 4 stars; one submission).

Submission:

GeneDx
Classification: Uncertain significance. Last evaluated: 2023-06-13. Review status: criteria provided, single submitter. Criteria: GeneDx Variant Classification Process June 2021. Collection method: clinical testing. Allele origin: germline. Affected: yes.
Comment: Not observed at significant frequency in large population cohorts (gnomAD); In silico analysis supports that this missense variant has a deleterious effect on protein structure/function; Has not been previously published as pathogenic or benign to our knowledge

NM_004539.4(NARS1):c.1526G>T (p.Gly509Val)

Gene: NARS1 (asparaginyl-tRNA synthetase 1; minus strand). Cytogenetic location: 18q21.31.
Variant type: single nucleotide variant.
Coding change: c.1526G>T on transcript NM_004539.4 (MANE Select); coding-DNA position 1526, G replaced by T.
Protein change: p.Gly509Val; replaces glycine 509 with valine.
Molecular consequence: missense variant.
Genome position (GRCh38, 1-based): chr18:57,601,773, C>A on the plus strand (G>T on the coding strand, the complement: NARS1 is on the minus strand). VCF-style: chr18-57601773-C-A. GRCh37 (hg19) VCF-style: chr18-55269005-C-A.
Other names: short protein forms G509V.
Identifiers: ClinVar variation 3359897 (VCV003359897.1).